The following is an entry in ClinVar:

ClinVar aggregate classification (germline): Uncertain significance (1 of 4 stars; one submission).

Conditions:
Cystic fibrosis (CF). Also called: MUCOVISCIDOSIS. Identifiers: Orphanet 586, MedGen C0010674, MONDO:0009061, OMIM 219700. Disease mechanism: loss of function.

gnomAD v4.1: 1 of 1,613,992 alleles (0.000062%); no homozygotes.

Submission:

Ambry Genetics
Classification: Uncertain significance for Cystic fibrosis. Last evaluated: 2026-05-14. Review status: criteria provided, single submitter. Criteria: Ambry Variant Classification Scheme 2023. Collection method: clinical testing. Allele origin: germline.
Comment: The p.P1451L variant (also known as c.4352C>T), located in coding exon 27 of the CFTR gene, results from a C to T substitution at nucleotide position 4352. The proline at codon 1451 is replaced by leucine, an amino acid with similar properties. This amino acid position is conserved. In addition, the in silico prediction for this alteration is inconclusive. Based on the available evidence, the clinical significance of this variant remains unclear.

NM_000492.4(CFTR):c.4352C>T (p.Pro1451Leu)

Genes: CFTR (CF transmembrane conductance regulator; plus strand), LOC111674477 (CFTR intron 23 enhancer; plus strand). Cytogenetic location: 7q31.2.
Variant type: single nucleotide variant.
Coding change: c.4352C>T on transcript NM_000492.4 (MANE Select); coding-DNA position 4352, C replaced by T.
Protein change: p.Pro1451Leu; replaces proline 1451 with leucine.
Molecular consequence: missense variant.
Genome position (GRCh38, 1-based): chr7:117,667,017, C>T. VCF-style: chr7-117667017-C-T. GRCh37 (hg19) VCF-style: chr7-117307071-C-T.
Other names: short protein forms P1451L.
Identifiers: ClinVar variation 4868846 (VCV004868846.1).